The following is an entry in ClinVar:

ClinVar aggregate classification (germline): Uncertain significance. Review status: criteria provided, multiple submitters, no conflicts (2 of 4 stars). 2 submissions from 2 submitters: Uncertain significance (2). Last evaluated 2025-05-26.

gnomAD v4.1: 201 of 1,613,902 alleles (0.012%); highest among the groups gnomAD compares: Non-Finnish European, 0.015%; no homozygotes.

Submissions (2):

Ambry Genetics
Classification: Uncertain significance. Last evaluated: 2025-05-26. Review status: criteria provided, single submitter. Criteria: Ambry Variant Classification Scheme 2023. Collection method: clinical testing. Allele origin: germline.

Labcorp Genetics (formerly Invitae), Labcorp
Classification: Uncertain significance. Last evaluated: 2025-04-15. Review status: criteria provided, single submitter. Criteria: Invitae Variant Classification Sherloc (09022015). Collection method: clinical testing. Allele origin: germline.
Comment: This sequence change replaces threonine, which is neutral and polar, with methionine, which is neutral and non-polar, at codon 1306 of the NYNRIN protein (p.Thr1306Met). This variant is present in population databases (rs772483093, gnomAD 0.01%). This variant has not been reported in the literature in individuals affected with NYNRIN-related conditions. ClinVar contains an entry for this variant (Variation ID: 3667368). Experimental studies and prediction algorithms are not available or were not evaluated, and the functional significance of this variant is currently unknown. In summary, the available evidence is currently insufficient to determine the role of this variant in disease. Therefore, it has been classified as a Variant of Uncertain Significance.

NM_025081.3(NYNRIN):c.3917C>T (p.Thr1306Met)

Gene: NYNRIN (NYN domain and retroviral integrase containing; plus strand). Cytogenetic location: 14q12.
Variant type: single nucleotide variant.
Coding change: c.3917C>T on transcript NM_025081.3 (MANE Select); coding-DNA position 3917, C replaced by T.
Protein change: p.Thr1306Met; replaces threonine 1306 with methionine.
Molecular consequence: missense variant.
Genome position (GRCh38, 1-based): chr14:24,415,666, C>T. VCF-style: chr14-24415666-C-T. GRCh37 (hg19) VCF-style: chr14-24884872-C-T.
Other names: c.3917C>T (NM_025081.2); short protein forms T1306M.
Identifiers: ClinVar variation 3667368 (VCV003667368.3).